The following is an entry in ClinVar:

ClinVar aggregate classification (germline): Conflicting classifications of pathogenicity. Review status: criteria provided, conflicting classifications (1 of 4 stars). 9 submissions from 9 submitters: Uncertain significance (5); Likely benign (3). 1 of the submissions does not count toward it. Last evaluated 2025-11-11.

Conditions:
Breast-ovarian cancer, familial, susceptibility to, 5 (BROVCA5). Identifiers: MedGen C5830615, MONDO:0957530, OMIM 620442.
Pancreatic cancer, susceptibility to, 3. Identifiers: Orphanet 1333, MedGen C3150547, MONDO:0013236, OMIM 613348.
Fanconi anemia complementation group N. Also called: PALB2-Related Fanconi Anemia. Identifiers: Orphanet 84, MedGen C1835817, MONDO:0012565, OMIM 610832. Disease mechanism: loss of function.
Familial cancer of breast. Also called: hereditary breast carcinoma; Hereditary breast cancer; BREAST CANCER, FAMILIAL. Identifiers: Orphanet 227535, MedGen C0346153, MONDO:0016419, OMIM 114480. Disease mechanism: loss of function.
Carcinoma of colon (CRC). Also called: Colon carcinoma; Colonic carcinoma. Identifiers: MedGen C0699790, MONDO:0002032.
Hereditary cancer-predisposing syndrome. Also called: Tumor predisposition; Neoplastic Syndromes, Hereditary; Hereditary Cancer Syndrome; Hereditary neoplastic syndrome. Identifiers: Orphanet 140162, MedGen C0027672, MeSH D009386, MONDO:0015356.

Allele frequency attached by ClinVar (database versions not stated): TOPMed 0.00001; ExAC 0.00002; gnomAD 0.00003; gnomAD exomes 0.00003.
gnomAD v4.1: 46 of 1,608,080 alleles (0.0029%); highest among the groups gnomAD compares: Non-Finnish European, 0.0037%; no homozygotes.

Submissions (9):

Labcorp Genetics (formerly Invitae), Labcorp
Classification: Uncertain significance for Familial cancer of breast. Last evaluated: 2025-11-11. Review status: criteria provided, single submitter. Criteria: Invitae Variant Classification Sherloc (09022015). Collection method: clinical testing. Allele origin: germline.
Comment: This sequence change replaces isoleucine, which is neutral and non-polar, with valine, which is neutral and non-polar, at codon 76 of the PALB2 protein (p.Ile76Val). This variant is present in population databases (rs541028076, gnomAD 0.007%). This missense change has been observed in individual(s) with breast cancer (PMID: 18053174, 34326862). This variant is also known as c.5038A>G. ClinVar contains an entry for this variant (Variation ID: 220168). An algorithm developed to predict the effect of missense changes on protein structure and function outputs the following: PolyPhen-2: "Benign". The valine amino acid residue is found in multiple mammalian species, which suggests that this missense change does not adversely affect protein function. Experimental studies have shown that this missense change does not substantially affect PALB2 function (PMID: 31586400). RNA analysis performed to evaluate the impact of this missense change on mRNA splicing indicates it does not significantly alter splicing (internal data). In summary, the available evidence is currently insufficient to determine the role of this variant in disease. Therefore, it has been classified as a Variant of Uncertain Significance.

Molecular Pathology, Peter Maccallum Cancer Centre
Classification: Uncertain significance for Familial cancer of breast. Last evaluated: 2024-05-07. Review status: criteria provided, single submitter. Criteria: ACMG Guidelines, 2015. Collection method: clinical testing. Allele origin: germline. Inheritance: Autosomal dominant inheritance.

Fulgent Genetics
Classification: Uncertain significance for Fanconi anemia complementation group N; Pancreatic cancer, susceptibility to, 3; Breast-ovarian cancer, familial, susceptibility to, 5. Last evaluated: 2024-04-30. Review status: criteria provided, single submitter. Criteria: ACMG Guidelines, 2015. Collection method: clinical testing. Allele origin: germline.

GeneDx
Classification: Uncertain significance. Last evaluated: 2024-04-19. Review status: criteria provided, single submitter. Criteria: GeneDx Variant Classification Process June 2021. Collection method: clinical testing. Allele origin: germline. Affected: yes.
Comment: In silico analysis indicates that this missense variant does not alter protein structure/function; Published functional studies are conflicting: BRCA1 interaction and PARP inhibitor response was inconclusive while cell survival in response to olaparib was comparable to wild type (PMID: 31586400); Observed in individuals with breast cancer and in an unaffected control (PMID: 18053174, 26315354, 34326862); This variant is associated with the following publications: (PMID: 18053174, 26315354, 29522266, 33195396, 34298626, 34326862, 20871615, 19369211, 31586400)

Blueprint Genetics
Classification: Likely benign. Last evaluated: 2021-06-16. Review status: criteria provided, single submitter. Criteria: ACMG Guidelines, 2015. Collection method: clinical testing. Allele origin: germline.

Women's Health and Genetics/Laboratory Corporation of America, LabCorp
Classification: Uncertain significance. Last evaluated: 2021-05-19. Review status: criteria provided, single submitter. Criteria: LabCorp Variant Classification Summary - May 2015. Collection method: clinical testing. Allele origin: germline.
Comment: Variant summary: PALB2 c.226A>G (p.Ile76Val) results in a conservative amino acid change in the encoded protein sequence. Five of five in-silico tools predict a benign effect of the variant on protein function. A recently published study evaluated this variant across three in-silico prediction algorithms, namely VEST3.0, M-CAP and REVEL and all three predicted a probably neutral/likely benign outcome (Rodriguez_2019). The variant allele was found at a frequency of 3.4e-05 in 263022 control chromosomes. The available data on variant occurrences in the general population are insufficient to allow any conclusion about variant significance. c.226A>G has been reported in the literature in at-least one individual affected with early onset breast cancer or familial breast cancer in a study that was limited to screening for coding exons in the PALB2 gene (example, Foulkes_2007). In another report, it was identified in an unaffected control (example, Ramus_2015). These report(s) do not provide unequivocal conclusions about association of the variant with Hereditary Breast And Ovarian Cancer Syndrome. At least one publication reports experimental evidence evaluating an impact on protein function. These results showed no damaging effect of this variant in an experimental system that evaluated sensitivity to PARP inhibitor, Olaparib and the impact of PALB2 variants on BRCA1 and BRCA2 interaction by mammalian two-hybrid assay (Rodriguez_2019). The results of this functional study were internally consistent with the predictions from in-silico algorithms mentioned above. Five clinical diagnostic laboratories have submitted clinical-significance assessments for this variant to ClinVar after 2014 without evidence for independent evaluation. Multiple laboratories reported the variant with conflicting assessments (likely benign, n=2; VUS, n=3). Some submitters cite overlapping evidence utilized in the context of this evaluation. Based on the evidence outlined above, the variant was classified as VUS-possibly benign.

Ambry Genetics
Classification: Likely benign for Hereditary cancer-predisposing syndrome. Last evaluated: 2017-10-30. Review status: criteria provided, single submitter. Criteria: Ambry Variant Classification Scheme 2023. Collection method: clinical testing. Allele origin: germline.

Color Diagnostics, LLC DBA Color Health
Classification: Likely benign for Hereditary cancer-predisposing syndrome. Last evaluated: 2016-12-22. Review status: criteria provided, single submitter. Criteria: ACMG Guidelines, 2015. Collection method: clinical testing. Allele origin: germline.

Leiden Open Variation Database
Classification: Uncertain significance for Colorectal cancer. Last evaluated: 2017-01-31. Review status: no assertion criteria provided. Collection method: curation. Allele origin: germline. Affected: yes. Not counted in ClinVar's aggregate classification.
Comment: Curators: Marc Tischkowitz, Arleen D. Auerbach. Submitter to LOVD: Melissa DeRycke.

Literature cited by the submitters: PubMed 18053174 (cited by 3 submitters); PubMed 34326862 (cited by Labcorp Genetics (formerly Invitae), Labcorp); PubMed 31586400 (cited by Labcorp Genetics (formerly Invitae), Labcorp and Women's Health and Genetics/Laboratory Corporation of America, LabCorp); PubMed 26315354 (cited by Women's Health and Genetics/Laboratory Corporation of America, LabCorp); PubMed 33195396 (cited by Women's Health and Genetics/Laboratory Corporation of America, LabCorp).

NM_024675.4(PALB2):c.226A>G (p.Ile76Val)

Gene: PALB2 (partner and localizer of BRCA2; minus strand). Cytogenetic location: 16p12.2.
Variant type: single nucleotide variant.
Coding change: c.226A>G on transcript NM_024675.4 (MANE Select); coding-DNA position 226, A replaced by G.
Protein change: p.Ile76Val; replaces isoleucine 76 with valine.
Molecular consequence: missense variant.
Genome position (GRCh38, 1-based): chr16:23,636,320, T>C on the plus strand (A>G on the coding strand, the complement: PALB2 is on the minus strand). VCF-style: chr16-23636320-T-C. GRCh37 (hg19) VCF-style: chr16-23647641-T-C.
Other names: short protein forms I76V.
Identifiers: ClinVar variation 220168 (VCV000220168.26), dbSNP rs541028076, ClinGen allele CA348162.
Genomic context (GRCh38, chr16:23,636,320, plus strand): 5'-TCTTTTCTCCAGTTTCTTCATCAAGATGGGTTTTGATGTGTAACTTGTCATAAACACATA[T>C]TTTATTTTTAGGTTCTGAGGAGGAAAAAAATGTATATAACTTATATTTTTCTTATAAAAT-3'
Protein context (NP_078951.2, residues 66-86): QLKHSEPKNK[Ile76Val]CVYDKLHIKT